The following is an entry in ClinVar:

ClinVar aggregate classification (germline): Pathogenic/Likely pathogenic. Review status: criteria provided, multiple submitters, no conflicts (2 of 4 stars). 8 submissions from 8 submitters: Pathogenic (5); Likely pathogenic (1). 2 of the submissions do not count toward it. Last evaluated 2025-09-02.

Conditions:
Primary hyperoxaluria type 3. Also called: PH III. Identifiers: Orphanet 416, Orphanet 93600, MedGen C3150878, MONDO:0013327, OMIM 613616. Disease mechanism: loss of function.
HOGA1-related disorders.

Allele frequency attached by ClinVar (database versions not stated): gnomAD 0.00001; gnomAD exomes 0.00002 and 0.00003; TOPMed 0.00003.

Submissions (8):

Natera, Inc.
Classification: Pathogenic for Primary hyperoxaluria type III. Last evaluated: 2025-09-02. Review status: criteria provided, single submitter. Criteria: Natera Variant Classification Schema (03/2026). Collection method: clinical testing. Allele origin: germline.
Comment: The c.123delT variant in HOGA1 is a frameshift variant predicted to shift the reading frame and introduce a stop codon. This variant is expected to result in nonsense mediated decay, truncation, or a dysfunctional protein product. This variant is rare in the general population with a frequency below the threshold expected for the associated phenotype(s). This variant has been observed in one or more individuals affected with the associated recessive disease, as either homozygous or compound heterozygous with a second variant (PMID: 33865885). Given the available evidence, this variant is classified as Pathogenic.

Blueprint Genetics
Classification: Pathogenic for HOGA1-related disorders. Last evaluated: 2024-11-20. Review status: criteria provided, single submitter. Criteria: ACMG Guidelines, 2015. Collection method: clinical testing. Allele origin: germline. Affected: yes. Observed: 5 variant alleles.

MVZ Medizinische Genetik Mainz
Classification: Pathogenic for Primary hyperoxaluria type 3. Last evaluated: 2024-11-06. Review status: criteria provided, single submitter. Criteria: UK Practice Guidelines For Variant Classification V4 01 2020. Collection method: clinical testing. Allele origin: germline. Inheritance: Autosomal recessive inheritance. Affected: yes. Observed: 1 variant allele.
Comment: ACMG Criteria: PVS1,PM3,PM2_SUP,PP4

Labcorp Genetics (formerly Invitae), Labcorp
Classification: Pathogenic. Last evaluated: 2024-07-12. Review status: criteria provided, single submitter. Criteria: Invitae Variant Classification Sherloc (09022015). Collection method: clinical testing. Allele origin: germline.
Comment: This sequence change creates a premature translational stop signal (p.Val42*) in the HOGA1 gene. It is expected to result in an absent or disrupted protein product. Loss-of-function variants in HOGA1 are known to be pathogenic (PMID: 22391140, 22781098). This variant is present in population databases (no rsID available, gnomAD 0.005%). This variant has not been reported in the literature in individuals affected with HOGA1-related conditions. ClinVar contains an entry for this variant (Variation ID: 522533). For these reasons, this variant has been classified as Pathogenic.

Women's Health and Genetics/Laboratory Corporation of America, LabCorp
Classification: Pathogenic for Primary hyperoxaluria type 3. Last evaluated: 2023-03-15. Review status: criteria provided, single submitter. Criteria: LabCorp Variant Classification Summary - May 2015. Collection method: clinical testing. Allele origin: germline.
Comment: Variant summary: HOGA1 c.123delT (p.Val42X) results in a premature termination codon, predicted to cause a truncation of the encoded protein or absence of the protein due to nonsense mediated decay, which are commonly known mechanisms for disease. Truncations downstream of this position have been classified as pathogenic by our laboratory. The variant allele was found at a frequency of 3.2e-05 in 249670 control chromosomes. c.123delT has been reported in the literature in individuals affected with Primary Hyperoxaluria, Type III. These data indicate that the variant may be associated with disease. To our knowledge, no experimental evidence demonstrating an impact on protein function has been reported. Four clinical diagnostic laboratories have submitted clinical-significance assessments for this variant to ClinVar after 2014 without evidence for independent evaluation. All laboratories classified the variant as pathogenic/likely pathogenic. Based on the evidence outlined above, the variant was classified as pathogenic.

Mayo Clinic Laboratories, Mayo Clinic
Classification: Likely pathogenic. Last evaluated: 2019-04-23. Review status: criteria provided, single submitter. Criteria: ACMG Guidelines, 2015. Collection method: clinical testing. Allele origin: germline. Observed: 1 variant allele.
Comment: PVS1, PM2

Bioscientia Institut fuer Medizinische Diagnostik GmbH, Sonic Healthcare
Classification: Pathogenic for Primary hyperoxaluria type 3. Last evaluated: 2017-11-14. Review status: no assertion criteria provided. Collection method: clinical testing. Allele origin: germline. Affected: yes. Not counted in ClinVar's aggregate classification.

Counsyl
Classification: Likely pathogenic for Primary hyperoxaluria type 3. Last evaluated: 2017-01-31. Review status: no assertion criteria provided. Collection method: clinical testing. Allele origin: unknown. Not counted in ClinVar's aggregate classification.

Literature cited by the submitters: PubMed 33865885 (cited by Natera, Inc. and Women's Health and Genetics/Laboratory Corporation of America, LabCorp); PubMed 22391140 (cited by Labcorp Genetics (formerly Invitae), Labcorp); PubMed 22781098 (cited by Labcorp Genetics (formerly Invitae), Labcorp).

NM_138413.4(HOGA1):c.123del (p.Pro41_Val42insTer)

Gene: HOGA1 (4-hydroxy-2-oxoglutarate aldolase 1; plus strand). Cytogenetic location: 10q24.2.
Variant type: Deletion.
Coding change: c.123del on transcript NM_138413.4 (MANE Select); coding-DNA position 123, one base deleted (T; older notation c.123delT).
Protein change: p.Pro41_Val42insTer.
Molecular consequence: frameshift variant.
Genome position (GRCh38, 1-based): chr10:97,584,826, T deleted. VCF-style (leftmost placement, unchanged base first): chr10-97584825-CT-C. GRCh37 (hg19) VCF-style: chr10-99344582-CT-C.
Other names: c.123del, p.Pro41_Val42insTer (NM_001134670.2).
Identifiers: ClinVar variation 522533 (VCV000522533.20), dbSNP rs1419840309, ClinGen allele CA471091117.
Genomic context (GRCh38, chr10:97,584,825, plus strand): 5'-ATGTGGGGGTCTGGGCCTCAGGGGAGGGGAAGAAGGTGGACATTGCGGGTATCTACCCCC[CT>C]GTGACCACCCCCTTCACTGCCACTGCAGAGGTGGACTATGGGAAACTGGAGGAGAATCTG-3'